The following is an entry in ClinVar:

NM_001374736.1(DST):c.1024T>C (p.Trp342Arg)

Gene: DST (dystonin; minus strand). Cytogenetic location: 6p12.1.
Variant type: single nucleotide variant.
Coding change: c.1024T>C on transcript NM_001374736.1 (MANE Select); coding-DNA position 1024, T replaced by C.
Protein change: p.Trp342Arg; replaces tryptophan 342 with arginine.
Molecular consequence: missense variant.
Genome position (GRCh38, 1-based): chr6:56,699,676, A>G on the plus strand (T>C on the coding strand, the complement: DST is on the minus strand). VCF-style: chr6-56699676-A-G. GRCh37 (hg19) VCF-style: chr6-56564474-A-G.
Other names: c.925T>C, p.Trp309Arg (NM_001144769.5); c.511T>C, p.Trp171Arg (NM_001144770.2); c.1024T>C, p.Trp342Arg (NM_001374722.1); c.391T>C, p.Trp131Arg (NM_001374729.1, NM_001374730.1, NM_001386100.1 and 1 more transcripts); c.1051T>C, p.Trp351Arg (NM_001374734.1); short protein forms W131R, W171R, W309R, W342R, W351R.
Identifiers: ClinVar variation 3896847 (VCV003896847.1).
Genomic context (GRCh38, chr6:56,699,676, plus strand): 5'-GCAATTAGATGCTGAAATTAAGAAAATTTGGGCTTACCTGAAAGTGCAAAATTATTGTCC[A>G]GATTAATCCCAAAGTCAATTTGGGATTTCCATCTGTTATGTCATCATTTCTAATATTCAC-3'
Protein context (NP_001361665.1, residues 332-352): GNPKLTLGLI[Trp342Arg]TIILHFQISD

ClinVar aggregate classification (germline): Uncertain significance (1 of 4 stars; one submission).

Conditions:
Hereditary sensory and autonomic neuropathy type 6. Also called: HSAN VI; Neuropathy, hereditary sensory and autonomic, type VI. Identifiers: Orphanet 314381, MedGen C3539003, MONDO:0013839, OMIM 614653.

Submission:

Kariminejad - Najmabadi Pathology & Genetics Center
Classification: Uncertain significance for Hereditary sensory and autonomic neuropathy type 6. Last evaluated: 2024-03-12. Review status: criteria provided, single submitter. Criteria: ACMG Guidelines, 2015. Collection method: clinical testing. Allele origin: germline. Inheritance: Autosomal recessive inheritance. Affected: yes.
Comment: PM2, PP3